The following is an entry in ClinVar:

NM_001330574.2(ZNF711):c.1387A>T (p.Thr463Ser)

Gene: ZNF711 (zinc finger protein 711; plus strand). Cytogenetic location: Xq21.1.
Variant type: single nucleotide variant.
Coding change: c.1387A>T on transcript NM_001330574.2 (MANE Select); coding-DNA position 1387, A replaced by T.
Protein change: p.Thr463Ser; replaces threonine 463 with serine.
Molecular consequence: missense variant.
Genome position (GRCh38, 1-based): chrX:85,270,791, A>T. VCF-style: chrX-85270791-A-T. GRCh37 (hg19) VCF-style: chrX-84525797-A-T.
Other names: c.1387A>T, p.Thr463Ser (NM_001375431.1, NM_001375432.1, NM_001375433.1); c.1249A>T, p.Thr417Ser (NM_001375434.1, NM_001375435.1, NM_001375436.1 and 2 more transcripts); short protein forms T417S, T463S.
Identifiers: ClinVar variation 985734 (VCV000985734.5), dbSNP rs1414779618, ClinGen allele CA413772766.

ClinVar aggregate classification (germline): Uncertain significance. Review status: criteria provided, multiple submitters, no conflicts (2 of 4 stars). 2 submissions from 2 submitters: Uncertain significance (2). Last evaluated 2022-07-29.

Conditions:
Inborn genetic diseases. Identifiers: MedGen C0950123, MeSH D030342.

Allele frequency attached by ClinVar (database versions not stated): gnomAD exomes below 0.00001 and 0.00001; gnomAD 0.00001; TOPMed 0.00001.
gnomAD v4.1: 3 of 1,202,024 alleles (0.00025%); highest among the groups gnomAD compares: African/African-American, 0.0053%; no homozygotes.

Submissions (2):

Women's Health and Genetics/Laboratory Corporation of America, LabCorp
Classification: Uncertain significance. Last evaluated: 2022-07-29. Review status: criteria provided, single submitter. Criteria: LabCorp Variant Classification Summary - May 2015. Collection method: clinical testing. Allele origin: germline.
Comment: Variant summary: ZNF711 c.1249A>T (p.Thr417Ser) results in a conservative amino acid change located in the Zinc finger C2H2-type domain of the encoded protein sequence. Three of five in-silico tools predict a benign effect of the variant on protein function. The variant allele was found at a frequency of 6e-06 in 166952 control chromosomes. The available data on variant occurrences in the general population are insufficient to allow any conclusion about variant significance. To our knowledge, no occurrence of c.1249A>T in individuals affected with X-Linked Intellectual Disability 97 and no experimental evidence demonstrating its impact on protein function have been reported. One clinical diagnostic laboratory has submitted clinical-significance assessments for this variant to ClinVar after 2014 without evidence for independent evaluation. One laboratory classified the variant as uncertain significance. Based on the evidence outlined above, the variant was classified as uncertain significance.

Ambry Genetics
Classification: Uncertain significance for Inborn genetic diseases. Last evaluated: 2022-07-15. Review status: criteria provided, single submitter. Criteria: Ambry Variant Classification Scheme 2023. Collection method: clinical testing. Allele origin: germline.
Comment: The c.1249A>T (p.T417S) alteration is located in exon 9 (coding exon 7) of the ZNF711 gene. This alteration results from an A to T substitution at nucleotide position 1249, causing the threonine (T) at amino acid position 417 to be replaced by a serine (S). Based on data from gnomAD, the T allele has an overall frequency of <0.01% (1/166952) total alleles studied, with 0 hemizygotes observed. The highest observed frequency was 0.01% (1/12162) of African alleles. This amino acid position is highly conserved in available vertebrate species. This alteration is predicted to be tolerated by in silico analysis. Based on insufficient or conflicting evidence, the clinical significance of this alteration remains unclear.